The following is an entry in ClinVar:

NM_001374353.1(GLI2):c.2669G>A (p.Gly890Asp)

Gene: GLI2 (GLI family zinc finger 2; plus strand). Cytogenetic location: 2q14.2.
Variant type: single nucleotide variant.
Coding change: c.2669G>A on transcript NM_001374353.1 (MANE Select); coding-DNA position 2669, G replaced by A.
Protein change: p.Gly890Asp; replaces glycine 890 with aspartic acid.
Molecular consequence: missense variant.
Genome position (GRCh38, 1-based): chr2:120,988,634, G>A. VCF-style: chr2-120988634-G-A. GRCh37 (hg19) VCF-style: chr2-121746210-G-A.
Other names: c.2720G>A (NM_005270.4); c.2720G>A, p.Gly907Asp (NM_001371271.1, NM_005270.5); c.2294G>A, p.Gly765Asp (NM_001374354.1); short protein forms G907D, G890D, G765D.
Identifiers: ClinVar variation 1490744 (VCV001490744.9), dbSNP rs1479419735, ClinGen allele CA348168789.

ClinVar aggregate classification (germline): Uncertain significance. Review status: criteria provided, multiple submitters, no conflicts (2 of 4 stars). 3 submissions from 3 submitters: Uncertain significance (3). Last evaluated 2023-11-09.

Conditions:
Postaxial polydactyly-anterior pituitary anomalies-facial dysmorphism syndrome. Also called: Culler-Jones syndrome. Identifiers: Orphanet 420584, MedGen C4014479, MONDO:0014369, OMIM 615849.
Holoprosencephaly 9 (HPE9). Also called: PITUITARY ANOMALIES WITH HOLOPROSENCEPHALY-LIKE FEATURES; HOLOPROSENCEPHALY WITH MICROPHTHALMIA AND FIRST BRANCHIAL ARCH ANOMALIES. Identifiers: Orphanet 2162, MedGen C1835819, MONDO:0012563, OMIM 610829.
Inborn genetic diseases. Identifiers: MedGen C0950123, MeSH D030342.

Allele frequency attached by ClinVar (database versions not stated): gnomAD 0.00001; TOPMed 0.00001.

Submissions (3):

GeneDx
Classification: Uncertain significance. Last evaluated: 2023-11-09. Review status: criteria provided, single submitter. Criteria: GeneDx Variant Classification Process June 2021. Collection method: clinical testing. Allele origin: germline. Affected: yes.
Comment: Not observed at significant frequency in large population cohorts (gnomAD); In silico analysis supports that this missense variant does not alter protein structure/function; Has not been previously published as pathogenic or benign to our knowledge

Ambry Genetics
Classification: Uncertain significance for Inborn genetic diseases. Last evaluated: 2023-03-14. Review status: criteria provided, single submitter. Criteria: Ambry Variant Classification Scheme 2023. Collection method: clinical testing. Allele origin: germline.

Labcorp Genetics (formerly Invitae), Labcorp
Classification: Uncertain significance for Postaxial polydactyly-anterior pituitary anomalies-facial dysmorphism syndrome; Holoprosencephaly 9. Last evaluated: 2022-06-20. Review status: criteria provided, single submitter. Criteria: Invitae Variant Classification Sherloc (09022015). Collection method: clinical testing. Allele origin: germline.
Comment: This variant has not been reported in the literature in individuals affected with GLI2-related conditions. This variant is not present in population databases (gnomAD no frequency). This sequence change replaces glycine, which is neutral and non-polar, with aspartic acid, which is acidic and polar, at codon 907 of the GLI2 protein (p.Gly907Asp). In summary, the available evidence is currently insufficient to determine the role of this variant in disease. Therefore, it has been classified as a Variant of Uncertain Significance. Algorithms developed to predict the effect of missense changes on protein structure and function are either unavailable or do not agree on the potential impact of this missense change (SIFT: "Tolerated"; PolyPhen-2: "Probably Damaging"; Align-GVGD: "Class C0").